The following is an entry in ClinVar:

ClinVar aggregate classification (germline): Conflicting classifications of pathogenicity. Review status: criteria provided, conflicting classifications (1 of 4 stars). 2 submissions from 2 submitters: Uncertain significance (1); Likely benign (1). Last evaluated 2026-01-15.

Conditions:
Gastrointestinal stromal tumor. Also called: Gastrointestinal stromal tumor, somatic; Gastrointestinal stroma tumor. Identifiers: Orphanet 44890, MedGen C0238198, MeSH D046152, MONDO:0011719, OMIM 606764, HP:0100723.
Hereditary cancer-predisposing syndrome. Also called: Neoplastic Syndromes, Hereditary; Tumor predisposition; Hereditary Cancer Syndrome; Hereditary neoplastic syndrome. Identifiers: Orphanet 140162, MedGen C0027672, MeSH D009386, MONDO:0015356.

gnomAD v4.1: 1 of 1,614,166 alleles (0.000062%); highest among the groups gnomAD compares: South Asian, 0.0011%; no homozygotes.

Submissions (2):

Labcorp Genetics (formerly Invitae), Labcorp
Classification: Uncertain significance for Gastrointestinal stromal tumor. Last evaluated: 2026-01-15. Review status: criteria provided, single submitter. Criteria: Invitae Variant Classification Sherloc (09022015). Collection method: clinical testing. Allele origin: germline.
Comment: This sequence change replaces aspartic acid, which is acidic and polar, with glycine, which is neutral and non-polar, at codon 52 of the KIT protein (p.Asp52Gly). This variant is present in population databases (rs756456973, gnomAD 0.003%). This variant has not been reported in the literature in individuals affected with KIT-related conditions. An algorithm developed to predict the effect of missense changes on protein structure and function (PolyPhen-2) suggests that this variant is likely to be tolerated. In summary, the available evidence is currently insufficient to determine the role of this variant in disease. Therefore, it has been classified as a Variant of Uncertain Significance.

Ambry Genetics
Classification: Likely benign for Hereditary cancer-predisposing syndrome. Last evaluated: 2025-11-04. Review status: criteria provided, single submitter. Criteria: Ambry Variant Classification Scheme 2023. Collection method: clinical testing. Allele origin: germline.

NM_000222.3(KIT):c.155A>G (p.Asp52Gly)

Gene: KIT (KIT proto-oncogene, receptor tyrosine kinase; plus strand). Cytogenetic location: 4q12.
Variant type: single nucleotide variant.
Coding change: c.155A>G on transcript NM_000222.3 (MANE Select); coding-DNA position 155, A replaced by G.
Protein change: p.Asp52Gly; replaces aspartic acid 52 with glycine.
Molecular consequence: missense variant.
Genome position (GRCh38, 1-based): chr4:54,695,599, A>G. VCF-style: chr4-54695599-A-G. GRCh37 (hg19) VCF-style: chr4-55561765-A-G.
Other names: c.155A>G, p.Asp52Gly (NM_001093772.2, NM_001385284.1, NM_001385285.1 and 4 more transcripts); short protein forms D52G.
Identifiers: ClinVar variation 4645123 (VCV004645123.2).